The following is an entry in ClinVar:

ClinVar aggregate classification (germline): Likely pathogenic (1 of 4 stars; one submission).

Conditions:
Autosomal recessive osteopetrosis 1. Also called: TCIRG1-Related Autosomal Recessive Osteopetrosis; ALBERS-SCHONBERG DISEASE, AUTOSOMAL RECESSIVE; TCIRG1-Related Osteopetrosis. Identifiers: Orphanet 667, MedGen C1850127, MONDO:0009815, OMIM 259700.

Submission:

Myriad Genetics, Inc.
Classification: Likely pathogenic for Autosomal recessive osteopetrosis 1. Last evaluated: 2022-05-04. Review status: criteria provided, single submitter. Criteria: Myriad Women's Health Autosomal Recessive and X-Linked Classification Criteria (2021). Collection method: clinical testing. Allele origin: unknown.
Comment: NM_006019.3(TCIRG1):c.723C>A(C241*) is expected to be pathogenic in the context of autosomal recessive osteopetrosis type 1. This variant is predicted to lead to an abnormal or absent protein product due to the creation of a premature termination codon in TCIRG1, a gene where loss-of-function variants are known to be pathogenic. Please note: this variant was assessed in the context of healthy population screening.

NM_006019.4(TCIRG1):c.723C>A (p.Cys241Ter)

Genes: MIR6753 (microRNA 6753; plus strand), TCIRG1 (T cell immune regulator 1, ATPase H+ transporting V0 subunit a3; plus strand). Cytogenetic location: 11q13.2.
Variant type: single nucleotide variant.
Coding change: c.723C>A on transcript NM_006019.4 (MANE Select); coding-DNA position 723, C replaced by A.
Protein change: p.Cys241Ter; replaces cysteine 241 with a stop codon.
Molecular consequence: nonsense. On other transcripts: 5 prime UTR variant (1).
Genome position (GRCh38, 1-based): chr11:68,043,823, C>A. VCF-style: chr11-68043823-C-A. GRCh37 (hg19) VCF-style: chr11-67811290-C-A.
Other names: c.-172C>A (NM_001351059.2); c.75C>A, p.Cys25Ter (NM_006053.4); short protein forms C241*, C25*.
Identifiers: ClinVar variation 1726300 (VCV001726300.2), dbSNP rs2495623626, ClinGen allele CA381578974.
Genomic context (GRCh38, chr11:68,043,823, plus strand): 5'-GTCTCGTAGCTGTGTCCTTCTGGCCCCTCACGCAGCGCATCCTCCCTCCAGCTTCCACTG[C>A]CACGTCTTCCCGTTTCTGCAGCAGGAGGAGGCCCGCCTCGGGGCCCTGCAGCAGCTGCAA-3'